The following is an entry in ClinVar:

NM_005932.4(MIPEP):c.1529A>C (p.Tyr510Ser)

Gene: MIPEP (mitochondrial intermediate peptidase; minus strand). Cytogenetic location: 13q12.12.
Variant type: single nucleotide variant.
Coding change: c.1529A>C on transcript NM_005932.4 (MANE Select); coding-DNA position 1529, A replaced by C.
Protein change: p.Tyr510Ser; replaces tyrosine 510 with serine.
Molecular consequence: missense variant.
Genome position (GRCh38, 1-based): chr13:23,837,566, T>G on the plus strand (A>C on the coding strand, the complement: MIPEP is on the minus strand). VCF-style: chr13-23837566-T-G. GRCh37 (hg19) VCF-style: chr13-24411705-T-G.
Other names: short protein forms Y510S.
Identifiers: ClinVar variation 3656959 (VCV003656959.2).

ClinVar aggregate classification (germline): Uncertain significance (1 of 4 stars; one submission).

Submission:

Labcorp Genetics (formerly Invitae), Labcorp
Classification: Uncertain significance. Last evaluated: 2024-06-19. Review status: criteria provided, single submitter. Criteria: Invitae Variant Classification Sherloc (09022015). Collection method: clinical testing. Allele origin: germline.
Comment: This sequence change replaces tyrosine, which is neutral and polar, with serine, which is neutral and polar, at codon 510 of the MIPEP protein (p.Tyr510Ser). This variant is not present in population databases (gnomAD no frequency). This variant has not been reported in the literature in individuals affected with MIPEP-related conditions. Advanced modeling of protein sequence and biophysical properties (such as structural, functional, and spatial information, amino acid conservation, physicochemical variation, residue mobility, and thermodynamic stability) performed at Invitae indicates that this missense variant is expected to disrupt MIPEP protein function with a positive predictive value of 80%. In summary, the available evidence is currently insufficient to determine the role of this variant in disease. Therefore, it has been classified as a Variant of Uncertain Significance.